The following is an entry in ClinVar:

NM_000178.4(GSS):c.*90A>G

Gene: GSS (glutathione synthetase; minus strand). Cytogenetic location: 20q11.22.
Variant type: single nucleotide variant.
Coding change: c.*90A>G on transcript NM_000178.4 (MANE Select); 90 bases downstream of the stop codon, A replaced by G.
Molecular consequence: 3 prime UTR variant.
Genome position (GRCh38, 1-based): chr20:34,928,738, T>C on the plus strand (A>G on the coding strand, the complement: GSS is on the minus strand). VCF-style: chr20-34928738-T-C. GRCh37 (hg19) VCF-style: chr20-33516541-T-C.
Other names: c.*90A>G (LRG_1168t1, NM_001322494.1, NM_001322495.1).
Identifiers: ClinVar variation 338290 (VCV000338290.6), dbSNP rs35747685, ClinGen allele CA10649651.
Genomic context (GRCh38, chr20:34,928,738, plus strand): 5'-TTCTGGTCCTCAGATGGAAAGCTGGGGGAAGGTACCAGTATTTACCCTTCCATAAAAACT[T>C]TGGAGGTCTTTAGGAGGATACCCCTCAGGAGGGCTAGGAGAGGAATGACAAATACAGAGG-3'

ClinVar aggregate classification (germline): Benign/Likely benign. Review status: criteria provided, multiple submitters, no conflicts (2 of 4 stars). 2 submissions from 2 submitters: Benign (1); Likely benign (1). Last evaluated 2021-12-01.

Conditions:
Inherited glutathione synthetase deficiency. Identifiers: Orphanet 32, MedGen C5979912, MONDO:0017909.

Allele frequency attached by ClinVar (database versions not stated): gnomAD exomes 0.00072; 1000 Genomes Project 0.00519; TOPMed 0.00521; gnomAD 0.00563; 1000 Genomes Project 30x 0.00593.
gnomAD v4.1: 1,725 of 1,445,878 alleles (0.12%); highest among the groups gnomAD compares: African/African-American, 1.8%; 16 homozygotes.

Submissions (2):

GeneDx
Classification: Likely benign. Last evaluated: 2021-12-01. Review status: criteria provided, single submitter. Criteria: GeneDx Variant Classification Process June 2021. Collection method: clinical testing. Allele origin: germline. Affected: yes.
Comment: See Variant Classification Assertion Criteria.

Illumina Laboratory Services, Illumina
Classification: Benign for Glutathione synthetase deficiency with 5-oxoprolinuria. Last evaluated: 2018-01-13. Review status: criteria provided, single submitter. Criteria: ICSL Variant Classification Criteria 13 December 2019. Collection method: clinical testing. Allele origin: germline.
Comment: This variant was observed in the ICSL laboratory as part of a predisposition screen in an ostensibly healthy population. It had not been previously curated by ICSL or reported in the Human Gene Mutation Database (HGMD: prior to June 1st, 2018), and was therefore a candidate for classification through an automated scoring system. Utilizing variant allele frequency, disease prevalence and penetrance estimates, and inheritance mode, an automated score was calculated to assess if this variant is too frequent to cause the disease. Based on the score and internal cut-off values, a variant classified as benign is not then subjected to further curation. The score for this variant resulted in a classification of benign for this disease.